The following is an entry in ClinVar:

ClinVar aggregate classification (germline): Uncertain significance. Review status: criteria provided, multiple submitters, no conflicts (2 of 4 stars). 2 submissions from 2 submitters: Uncertain significance (2). Last evaluated 2026-04-01.

Conditions:
Hereditary cancer-predisposing syndrome. Also called: Tumor predisposition; Hereditary neoplastic syndrome; Neoplastic Syndromes, Hereditary; Hereditary Cancer Syndrome. Identifiers: Orphanet 140162, MedGen C0027672, MeSH D009386, MONDO:0015356.
Familial cancer of breast. Also called: hereditary breast carcinoma; Hereditary breast cancer; BREAST CANCER, FAMILIAL. Identifiers: Orphanet 227535, MedGen C0346153, MONDO:0016419, OMIM 114480. Disease mechanism: loss of function.

Submissions (2):

Ambry Genetics
Classification: Uncertain significance for Hereditary cancer-predisposing syndrome. Last evaluated: 2026-04-01. Review status: criteria provided, single submitter. Criteria: Ambry Variant Classification Scheme 2023. Collection method: clinical testing. Allele origin: germline.
Comment: The c.3114-15T>G intronic variant results from a T to G substitution 15 nucleotides upstream from coding exon 11 in the PALB2 gene. This nucleotide position is highly conserved in available vertebrate species. In silico splice site analysis predicts that this alteration will weaken the native splice acceptor site; however, direct evidence is insufficient at this time (Ambry internal data). Based on the available evidence, the clinical significance of this variant remains unclear.

Labcorp Genetics (formerly Invitae), Labcorp
Classification: Uncertain significance for Familial cancer of breast. Last evaluated: 2023-12-12. Review status: criteria provided, single submitter. Criteria: Invitae Variant Classification Sherloc (09022015). Collection method: clinical testing. Allele origin: germline.
Comment: This sequence change falls in intron 10 of the PALB2 gene. It does not directly change the encoded amino acid sequence of the PALB2 protein. This variant is not present in population databases (gnomAD no frequency). This variant has not been reported in the literature in individuals affected with PALB2-related conditions. Algorithms developed to predict the effect of sequence changes on RNA splicing suggest that this variant may disrupt the consensus splice site. In summary, the available evidence is currently insufficient to determine the role of this variant in disease. Therefore, it has been classified as a Variant of Uncertain Significance.

NM_024675.4(PALB2):c.3114-15T>G

Gene: PALB2 (partner and localizer of BRCA2; minus strand). Cytogenetic location: 16p12.2.
Variant type: single nucleotide variant.
Coding change: c.3114-15T>G on transcript NM_024675.4 (MANE Select); 15 bases into the intron before coding-DNA position 3114, T replaced by G.
Molecular consequence: intron variant.
Genome position (GRCh38, 1-based): chr16:23,614,106, A>C on the plus strand (T>G on the coding strand, the complement: PALB2 is on the minus strand). VCF-style: chr16-23614106-A-C. GRCh37 (hg19) VCF-style: chr16-23625427-A-C.
Other names: c.3114-15T>G (NM_024675.3, NM_001407301.1); c.2228+7256T>G (NM_001407308.1, NM_001407309.1); c.2229-15T>G (NM_001407306.1, NM_001407311.1, NM_001407305.1 and 2 more transcripts); c.648-15T>G (NM_001407314.1); c.1326-15T>G (NM_001407313.1, NM_001407312.1); c.3054-15T>G (NM_001407296.1); c.3042-15T>G (NM_001407297.1); c.2952-15T>G (NM_001407302.1, NM_001407298.1); and 3 more.
Identifiers: ClinVar variation 2732424 (VCV002732424.4), dbSNP rs2142300467, ClinGen allele CA2697555737.
Genomic context (GRCh38, chr16:23,614,106, plus strand): 5'-ATCATCAATGTGCATCTTTTTCAGGAGTTGACCAGTTTTTAAATTCCTTAGATAACAAAA[A>C]TAAATAAGCTGATCACATTCTTCCAACAAACCAGTTTTCAGAAAATATTTTCTTATTCAT-3'